The following is an entry in ClinVar:

ClinVar aggregate classification (germline): Conflicting classifications of pathogenicity. Review status: criteria provided, conflicting classifications (1 of 4 stars). 3 submissions from 2 submitters: Uncertain significance (2); Benign (1). Last evaluated 2022-08-01.

Conditions:
Inclusion body myopathy with Paget disease of bone and frontotemporal dementia type 1. Also called: MULTISYSTEM PROTEINOPATHY 1; Inclusion body myopathy with early-onset Paget disease and frontotemporal dementia 1; Inclusion body myopathy with early-onset Paget disease with or without frontotemporal dementia 1. Identifiers: MedGen C4551951, MONDO:0008178, OMIM 167320.
Frontotemporal dementia and/or amyotrophic lateral sclerosis 6 (FTDALS6). Also called: VCP-Related Amyotrophic Lateral Sclerosis/Frontotemporal Dementia; VCP-Related Amyotrophic Lateral Sclerosis. Identifiers: Orphanet 275872, Orphanet 803, MedGen C5436279, MONDO:0013501, OMIM 613954.

Allele frequency attached by ClinVar (database versions not stated): 1000 Genomes Project 30x 0.00031; TOPMed 0.00031; gnomAD 0.00035.

Submissions (3):

CeGaT Center for Human Genetics Tuebingen
Classification: Benign. Last evaluated: 2022-08-01. Review status: criteria provided, single submitter. Criteria: CeGaT Center For Human Genetics Tuebingen Variant Classification Criteria Version 2. Collection method: clinical testing. Allele origin: germline. Affected: yes. Observed: 1 variant allele.
Comment: VCP: BS1, BS2

Illumina Laboratory Services, Illumina
Classification: Uncertain significance for Frontotemporal dementia and/or amyotrophic lateral sclerosis 6. Last evaluated: 2018-01-13. Review status: criteria provided, single submitter. Criteria: ICSL Variant Classification Criteria 13 December 2019. Collection method: clinical testing. Allele origin: germline.

Illumina Laboratory Services, Illumina
Classification: Uncertain significance for Inclusion body myopathy with Paget disease of bone and frontotemporal dementia type 1. Last evaluated: 2018-01-13. Review status: criteria provided, single submitter. Criteria: ICSL Variant Classification Criteria 13 December 2019. Collection method: clinical testing. Allele origin: germline.

NM_007126.5(VCP):c.*700C>A

Gene: VCP (valosin containing protein; minus strand). Cytogenetic location: 9p13.3.
Variant type: single nucleotide variant.
Coding change: c.*700C>A on transcript NM_007126.5 (MANE Select); 700 bases downstream of the stop codon, C replaced by A.
Molecular consequence: 3 prime UTR variant.
Genome position (GRCh38, 1-based): chr9:35,056,417, G>T on the plus strand (C>A on the coding strand, the complement: VCP is on the minus strand). VCF-style: chr9-35056417-G-T. GRCh37 (hg19) VCF-style: chr9-35056414-G-T.
Other names: c.*700C>A (NM_001354927.2, NM_001354928.2).
Identifiers: ClinVar variation 366706 (VCV000366706.29), dbSNP rs537730311, ClinGen allele CA10633600.